The following is an entry in ClinVar:

ClinVar aggregate classification (germline): Likely benign. Review status: criteria provided, multiple submitters, no conflicts (2 of 4 stars). 4 submissions from 4 submitters: Likely benign (4). Last evaluated 2025-11-23.

Conditions:
Cardiomyopathy (CMYO). Also called: Cardiomyopathies. Identifiers: Orphanet 167848, MedGen C0878544, MONDO:0004994, HP:0001638. Inheritance: Various modes of inheritance.
Cardiovascular phenotype. Identifiers: MedGen CN230736.
Lethal congenital glycogen storage disease of heart. Also called: PHOSPHORYLASE KINASE DEFICIENCY OF HEART; GLYCOGEN STORAGE DISEASE OF HEART. Identifiers: Orphanet 439854, MedGen C1849813, MONDO:0009867, OMIM 261740.
Hypertrophic cardiomyopathy. Also called: HYPERTROPHIC MYOCARDIOPATHY. Identifiers: Orphanet 217569, MedGen C0007194, MeSH D002312, MONDO:0005045, HP:0001639.

Allele frequency attached by ClinVar (database versions not stated): gnomAD exomes below 0.00001 and 0.00001; TOPMed below 0.00001; gnomAD 0.00001 and 0.00003.
gnomAD v4.1: 23 of 1,614,150 alleles (0.0014%); highest among the groups gnomAD compares: African/African-American, 0.015%; no homozygotes.

Submissions (4):

Labcorp Genetics (formerly Invitae), Labcorp
Classification: Likely benign for Lethal congenital glycogen storage disease of heart. Last evaluated: 2025-11-23. Review status: criteria provided, single submitter. Criteria: Invitae Variant Classification Sherloc (09022015). Collection method: clinical testing. Allele origin: germline.

All of Us Research Program, National Institutes of Health
Classification: Likely benign for Hypertrophic cardiomyopathy. Last evaluated: 2023-12-01. Review status: criteria provided, single submitter. Criteria: ACMG Guidelines, 2015. Collection method: clinical testing. Allele origin: germline. Inheritance: Autosomal dominant inheritance. Observed: 3 variant alleles, 3 heterozygotes.
Comment: This study involves interpretation of variants in research participants for the purpose of population health screening. Participant phenotype was not available at the time of variant classification. Additional details can be found in publication PMID: 35346344, PMCID: PMC8962531

Ambry Genetics
Classification: Likely benign for Cardiovascular phenotype. Last evaluated: 2023-10-05. Review status: criteria provided, single submitter. Criteria: Ambry Variant Classification Scheme 2023. Collection method: clinical testing. Allele origin: germline.

Color Diagnostics, LLC DBA Color Health
Classification: Likely benign for Cardiomyopathy. Last evaluated: 2021-03-23. Review status: criteria provided, single submitter. Criteria: ACMG Guidelines, 2015. Collection method: clinical testing. Allele origin: germline.

NM_016203.4(PRKAG2):c.522G>A (p.Thr174=)

Gene: PRKAG2 (protein kinase AMP-activated non-catalytic subunit gamma 2; minus strand). Cytogenetic location: 7q36.1.
Variant type: single nucleotide variant.
Coding change: c.522G>A on transcript NM_016203.4 (MANE Select); coding-DNA position 522, G replaced by A.
Protein change: p.Thr174=; no amino-acid change (threonine 174 retained).
Molecular consequence: synonymous variant.
Genome position (GRCh38, 1-based): chr7:151,675,582, C>T on the plus strand (G>A on the coding strand, the complement: PRKAG2 is on the minus strand). VCF-style: chr7-151675582-C-T. GRCh37 (hg19) VCF-style: chr7-151372668-C-T.
Other names: c.390G>A, p.Thr130= (NM_001040633.2); c.150G>A, p.Thr50= (NM_001304527.2, NM_001363698.2); c.522G>A (NM_016203.3).
Identifiers: ClinVar variation 1095366 (VCV001095366.11), dbSNP rs558951955, ClinGen allele CA169447542.